The following is an entry in ClinVar:

NM_015338.6(ASXL1):c.3743C>T (p.Ala1248Val)

Gene: ASXL1 (ASXL transcriptional regulator 1; plus strand). Cytogenetic location: 20q11.21.
Variant type: single nucleotide variant.
Coding change: c.3743C>T on transcript NM_015338.6 (MANE Select); coding-DNA position 3743, C replaced by T.
Protein change: p.Ala1248Val; replaces alanine 1248 with valine.
Molecular consequence: missense variant.
Genome position (GRCh38, 1-based): chr20:32,436,455, C>T. VCF-style: chr20-32436455-C-T. GRCh37 (hg19) VCF-style: chr20-31024258-C-T.
Other names: c.3560C>T, p.Ala1187Val (NM_001363734.1); short protein forms A1248V, A1187V.
Identifiers: ClinVar variation 3956097 (VCV003956097.1).
Genomic context (GRCh38, chr20:32,436,455, plus strand): 5'-AAATGGATTCCAAAGAGCAGTTCTCTTCCTTTAGTTGTGAAGATCAGAAGGAAGTCCGTG[C>T]TATGTCACAGGACAGTAATTCAAATGCTGCTCCAGGAAAGAGCCCAGGAGATCTTACTAC-3'
Protein context (NP_056153.2, residues 1238-1258): FSCEDQKEVR[Ala1248Val]MSQDSNSNAA

ClinVar aggregate classification (germline): Uncertain significance (1 of 4 stars; one submission).

Conditions:
Inborn genetic diseases. Identifiers: MedGen C0950123, MeSH D030342.

gnomAD v4.1: 5 of 1,614,104 alleles (0.00031%); highest among the groups gnomAD compares: Non-Finnish European, 0.00042%; no homozygotes.

Submission:

Ambry Genetics
Classification: Uncertain significance for Inborn genetic diseases. Last evaluated: 2025-04-12. Review status: criteria provided, single submitter. Criteria: Ambry Variant Classification Scheme 2023. Collection method: clinical testing. Allele origin: germline.
Comment: The p.A1248V variant (also known as c.3743C>T), located in coding exon 13 of the ASXL1 gene, results from a C to T substitution at nucleotide position 3743. The alanine at codon 1248 is replaced by valine, an amino acid with similar properties. This amino acid position is conserved. In addition, this alteration is predicted to be tolerated by in silico analysis. Based on the available evidence, the clinical significance of this variant remains unclear.